The following is an entry in ClinVar:

ClinVar aggregate classification (germline): Uncertain significance (1 of 4 stars; one submission).

Conditions:
Capillary malformation-arteriovenous malformation syndrome. Also called: Capillary malformation-arteriovenous malformation. Identifiers: Orphanet 137667, MedGen C1842180, MONDO:0012016.

Submission:

Labcorp Genetics (formerly Invitae), Labcorp
Classification: Uncertain significance for Capillary malformation-arteriovenous malformation syndrome. Last evaluated: 2023-07-10. Review status: criteria provided, single submitter. Criteria: Invitae Variant Classification Sherloc (09022015). Collection method: clinical testing. Allele origin: germline.
Comment: In summary, the available evidence is currently insufficient to determine the role of this variant in disease. Therefore, it has been classified as a Variant of Uncertain Significance. An algorithm developed to predict the effect of missense changes on protein structure and function (PolyPhen-2) suggests that this variant is likely to be disruptive. ClinVar contains an entry for this variant (Variation ID: 2059173). This variant has not been reported in the literature in individuals affected with RASA1-related conditions. This variant is not present in population databases (gnomAD no frequency). This sequence change replaces glycine, which is neutral and non-polar, with arginine, which is basic and polar, at codon 68 of the RASA1 protein (p.Gly68Arg).

NM_002890.3(RASA1):c.202G>C (p.Gly68Arg)

Gene: RASA1 (RAS p21 protein activator 1; plus strand). Cytogenetic location: 5q14.3.
Variant type: single nucleotide variant.
Coding change: c.202G>C on transcript NM_002890.3 (MANE Select); coding-DNA position 202, G replaced by C.
Protein change: p.Gly68Arg; replaces glycine 68 with arginine.
Molecular consequence: missense variant.
Genome position (GRCh38, 1-based): chr5:87,268,653, G>C. VCF-style: chr5-87268653-G-C. GRCh37 (hg19) VCF-style: chr5-86564470-G-C.
Other names: short protein forms G68R.
Identifiers: ClinVar variation 2059173 (VCV002059173.4), dbSNP rs1580178771, ClinGen allele CA360416968.